The following is an entry in ClinVar:

NM_001394062.1(MACF1):c.6260A>G (p.Glu2087Gly)

Gene: MACF1 (microtubule actin crosslinking factor 1; plus strand). Cytogenetic location: 1p34.3.
Variant type: single nucleotide variant.
Coding change: c.6260A>G on transcript NM_001394062.1 (MANE Select); coding-DNA position 6260, A replaced by G.
Protein change: p.Glu2087Gly; replaces glutamic acid 2087 with glycine.
Molecular consequence: missense variant. On other transcripts: intron variant (1).
Genome position (GRCh38, 1-based): chr1:39,332,848, A>G. VCF-style: chr1-39332848-A-G. GRCh37 (hg19) VCF-style: chr1-39798520-A-G.
Other names: c.4629+5495A>G (NM_012090.5); short protein forms E2087G.
Identifiers: ClinVar variation 4885227 (VCV004885227.2).

ClinVar aggregate classification (germline): Uncertain significance (1 of 4 stars; one submission).

gnomAD v4.1: 3 of 1,614,118 alleles (0.00019%); highest among the groups gnomAD compares: Non-Finnish European, 0.000085%; no homozygotes.

Submission:

Dasa
Classification: Uncertain significance. Last evaluated: 2025-10-10. Review status: criteria provided, single submitter. Criteria: DASA Assertion Criteria. Collection method: clinical testing. Allele origin: germline.
Comment: NM_001394062.1(MACF1):c.6260A>G (p.Glu2087Gly) is a missense variant that results in the substitution of glutamic acid with glycine. This variant is rare in population databases. Computational prediction algorithms are consistent with a benign effect. The currently available literature and clinical evidence are not sufficient to establish a definitive association between this variant and the reported condition. Therefore, this variant is classified as a variant of uncertain significance.